The following is an entry in ClinVar:

NM_004407.4(DMP1):c.1333G>A (p.Glu445Lys)

Genes: DMP1-AS1 (DMP1 and DSPP antisense RNA 1; minus strand), DMP1 (dentin matrix acidic phosphoprotein 1; plus strand). Cytogenetic location: 4q22.1.
Variant type: single nucleotide variant.
Coding change: c.1333G>A on transcript NM_004407.4 (MANE Select); coding-DNA position 1333, G replaced by A.
Protein change: p.Glu445Lys; replaces glutamic acid 445 with lysine.
Molecular consequence: missense variant.
Genome position (GRCh38, 1-based): chr4:87,663,111, G>A. VCF-style: chr4-87663111-G-A. GRCh37 (hg19) VCF-style: chr4-88584263-G-A.
Other names: c.1285G>A, p.Glu429Lys (NM_001079911.3); short protein forms E445K, E429K.
Identifiers: ClinVar variation 349984 (VCV000349984.7), dbSNP rs761098924, ClinGen allele CA3002184.
Genomic context (GRCh38, chr4:87,663,111, plus strand): 5'-GAGAACAGCTCCAGCCAGGAGGGCCTCCAGTCTCACAGCAGCTCAGCAGAGAGTCAGAGC[G>A]AGGAAAGCCATTCTGAGGAAGACGACAGTGACTCTCAAGACAGCAGCAGATCCAAAGAAG-3'
Protein context (NP_004398.1, residues 435-455): SHSSSAESQS[Glu445Lys]ESHSEEDDSD

ClinVar aggregate classification (germline): Uncertain significance. Review status: criteria provided, multiple submitters, no conflicts (2 of 4 stars). 2 submissions from 2 submitters: Uncertain significance (2). Last evaluated 2021-08-22.

Conditions:
Hypophosphatemic rickets, autosomal recessive, 1 (ARHR1). Also called: HYPOPHOSPHATEMIA, AUTOSOMAL RECESSIVE. Identifiers: Orphanet 289176, MedGen C4551495, MONDO:0009430, OMIM 241520. Disease mechanism: loss of function.

Allele frequency attached by ClinVar (database versions not stated): gnomAD 0.00001 and 0.00002; TOPMed 0.00001; gnomAD exomes 0.00002 and 0.00004; ExAC 0.00005.
gnomAD v4.1: 37 of 1,614,078 alleles (0.0023%); highest among the groups gnomAD compares: Middle Eastern, 0.016%; 1 homozygote.

Submissions (2):

Labcorp Genetics (formerly Invitae), Labcorp
Classification: Uncertain significance. Last evaluated: 2021-08-22. Review status: criteria provided, single submitter. Criteria: Invitae Variant Classification Sherloc (09022015). Collection method: clinical testing. Allele origin: germline.
Comment: This sequence change replaces glutamic acid with lysine at codon 445 of the DMP1 protein (p.Glu445Lys). The glutamic acid residue is weakly conserved and there is a small physicochemical difference between glutamic acid and lysine. This variant is present in population databases (rs761098924, ExAC 0.01%). This variant has not been reported in the literature in individuals affected with DMP1-related conditions. ClinVar contains an entry for this variant (Variation ID: 349984). Algorithms developed to predict the effect of missense changes on protein structure and function output the following: SIFT: "Tolerated"; PolyPhen-2: "Not Available"; Align-GVGD: "Class C0". The lysine amino acid residue is found in multiple mammalian species, which suggests that this missense change does not adversely affect protein function. In summary, the available evidence is currently insufficient to determine the role of this variant in disease. Therefore, it has been classified as a Variant of Uncertain Significance.

Illumina Laboratory Services, Illumina
Classification: Uncertain significance for Hypophosphatemic rickets, autosomal recessive, 1. Last evaluated: 2018-01-13. Review status: criteria provided, single submitter. Criteria: ICSL Variant Classification Criteria 13 December 2019. Collection method: clinical testing. Allele origin: germline.